The following is an entry in ClinVar:

NM_022042.4(SLC26A1):c.1059C>T (p.Ala353=)

Genes: IDUA (alpha-L-iduronidase; plus strand), SLC26A1 (solute carrier family 26 member 1; minus strand). Cytogenetic location: 4p16.3.
Variant type: single nucleotide variant.
Coding change: c.1059C>T on transcript NM_022042.4 (MANE Select); coding-DNA position 1059, C replaced by T.
Protein change: p.Ala353=; no amino-acid change (alanine 353 retained).
Molecular consequence: synonymous variant. On other transcripts: intron variant (2).
Genome position (GRCh38, 1-based): chr4:989,880, G>A on the plus strand (C>T on the coding strand, the complement: SLC26A1 is on the minus strand). VCF-style: chr4-989880-G-A. GRCh37 (hg19) VCF-style: chr4-983668-G-A.
Other names: p.Ala353=; c.1059C>T, p.Ala353= (NM_213613.4); c.576+1248C>T (NM_134425.4); c.299+1931G>A (NM_000203.5).
Identifiers: ClinVar variation 1169659 (VCV001169659.14), dbSNP rs59758572, ClinGen allele CA2801477.
Genomic context (GRCh38, chr4:989,880, plus strand): 5'-GGCACGCACAGAGTAGCCGTGACTGCGGGCGAACATCTCCGCCAGCGAGATGGAGAAGGC[G>A]GCAGCCACGAGGGCCAGGGCCACGGCATCCAAAGCCACACGCTGCATCAGCCTGGGCTCT-3'
Protein context (NP_071325.2, residues 343-363): LDAVALALVA[Ala353=]AFSISLAEMF

ClinVar aggregate classification (germline): Benign. Review status: criteria provided, multiple submitters, no conflicts (2 of 4 stars). 5 submissions from 5 submitters: Benign (4). 1 of the submissions does not count toward it. Last evaluated 2025-12-26.

Conditions:
SLC26A1-related disorder. Also called: SLC26A1-related condition.

Allele frequency attached by ClinVar (database versions not stated): gnomAD exomes 0.00194 and 0.00449; ExAC 0.01154; gnomAD 0.01843 and 0.01975; ESP Exome Variant Server 0.02001; TOPMed 0.02094; 1000 Genomes Project 0.02196; 1000 Genomes Project 30x 0.02202.

Submissions (5):

Labcorp Genetics (formerly Invitae), Labcorp
Classification: Benign. Last evaluated: 2025-12-26. Review status: criteria provided, single submitter. Criteria: Invitae Variant Classification Sherloc (09022015). Collection method: clinical testing. Allele origin: germline.

Mayo Clinic Laboratories, Mayo Clinic
Classification: Benign. Last evaluated: 2023-03-26. Review status: criteria provided, single submitter. Criteria: ACMG Guidelines, 2015. Collection method: clinical testing. Allele origin: germline. Observed: 5 variant alleles.

GeneDx
Classification: Benign. Last evaluated: 2018-07-14. Review status: criteria provided, single submitter. Criteria: GeneDx Variant Classification Process June 2021. Collection method: clinical testing. Allele origin: germline. Affected: yes.

Breakthrough Genomics
Classification: Benign. Review status: criteria provided, single submitter. Criteria: ACMG Guidelines, 2015. Collection method: not provided. Allele origin: germline. Inheritance: Autosomal recessive inheritance. Affected: yes.

PreventionGenetics, part of Exact Sciences
Classification: Benign for SLC26A1-related condition. Last evaluated: 2019-03-04. Review status: no assertion criteria provided. Collection method: clinical testing. Allele origin: germline. Not counted in ClinVar's aggregate classification.
Comment: This variant is classified as benign based on ACMG/AMP sequence variant interpretation guidelines (Richards et al. 2015 PMID: 25741868, with internal and published modifications).